The following is an entry in ClinVar:

NC_000008.10:g.(100155394_100160068)_(100396546_100403784)del

Gene: VPS13B (vacuolar protein sorting 13 homolog B; plus strand). Cytogenetic location: 8q22.2.
Variant type: Deletion.
Identifiers: ClinVar variation 2429266 (VCV002429266.3).

ClinVar aggregate classification (germline): Likely pathogenic (1 of 4 stars; one submission).

Conditions:
Cohen syndrome (COH1). Also called: Cutis verticis gyrata, retinitis pigmentosa, and sensorineural deafness; PEPPER SYNDROME. Identifiers: Orphanet 193, MedGen C0265223, MONDO:0008999, OMIM 216550.

Submission:

Women's Health and Genetics/Laboratory Corporation of America, LabCorp
Classification: Likely pathogenic for Cohen syndrome. Last evaluated: 2023-01-12. Review status: criteria provided, single submitter. Criteria: LabCorp Variant Classification Summary - May 2015. Collection method: clinical testing. Allele origin: germline.
Comment: Variant summary: The variant identified by MLPA or other technology involves the deletion of exons 14-20 in the VPS13B gene. A presumed nomenclature of c.(1843+1_1844-1)_(2934+1_2935-1)del has been designated for the purposes of this classification. Although exact breakpoints of this deletion are not known, it is expected to result in a frameshift in the VPS13B gene, a known mechanism of disease. The variant was absent in 21694 control chromosomes (gnomAD, structural variants dataset). To our knowledge, no occurrence of c.(1843+1_1844-1)_(2934+1_2935-1)del in individuals affected with Cohen Syndrome and no experimental evidence demonstrating its impact on protein function have been reported. No clinical diagnostic laboratories have submitted clinical-significance assessments for this variant to ClinVar after 2014. Based on the evidence outlined above, the variant was classified as likely pathogenic.